The following is an entry in ClinVar:

NM_001903.5(CTNNA1):c.1499del (p.Asp500fs)

Gene: CTNNA1 (catenin alpha 1; plus strand). Cytogenetic location: 5q31.2.
Variant type: Deletion.
Coding change: c.1499del on transcript NM_001903.5 (MANE Select); coding-DNA position 1499, one base deleted (A; older notation c.1499delA).
Protein change: p.Asp500fs; shifts the reading frame from aspartic acid 500.
Molecular consequence: frameshift variant.
Genome position (GRCh38, 1-based): chr5:138,917,851, A deleted. VCF-style (leftmost placement, unchanged base first): chr5-138917850-GA-G. GRCh37 (hg19) VCF-style: chr5-138253539-GA-G.
Other names: c.1499del, p.Asp500fs (NM_001290307.3, NM_001323982.2, NM_001323983.1 and 2 more transcripts); c.1190del, p.Asp397fs (NM_001290309.3); c.1130del, p.Asp377fs (NM_001290310.3); c.389del, p.Asp130fs (NM_001290312.1, NM_001323987.1, NM_001323988.1 and 17 more transcripts); c.1406del, p.Asp469fs (NM_001323986.2); c.50del, p.Asp17fs (NM_001324006.1, NM_001324007.1, NM_001324008.1 and 2 more transcripts); c.296del, p.Asp99fs (NM_001324011.1); c.146del, p.Asp49fs (NM_001324012.1, NM_001324013.1); short protein forms D17fs, D469fs, D130fs, D49fs, D99fs, D377fs, D397fs, D500fs.
Identifiers: ClinVar variation 3660758 (VCV003660758.2).

ClinVar aggregate classification (germline): Pathogenic (1 of 4 stars; one submission).

Submission:

Labcorp Genetics (formerly Invitae), Labcorp
Classification: Pathogenic. Last evaluated: 2024-07-30. Review status: criteria provided, single submitter. Criteria: Invitae Variant Classification Sherloc (09022015). Collection method: clinical testing. Allele origin: germline.
Comment: This sequence change creates a premature translational stop signal (p.Asp500Valfs*24) in the CTNNA1 gene. It is expected to result in an absent or disrupted protein product. Loss-of-function variants in CTNNA1 are known to be pathogenic (PMID: 32051609, 34425242). This variant is not present in population databases (gnomAD no frequency). This variant has not been reported in the literature in individuals affected with CTNNA1-related conditions. For these reasons, this variant has been classified as Pathogenic.

Literature cited by the submitters: PubMed 32051609; PubMed 34425242.